The following is an entry in ClinVar:

ClinVar aggregate classification (germline): Pathogenic (1 of 4 stars; one submission).

Conditions:
Breast-ovarian cancer, familial, susceptibility to, 2 (BROVCA2). Also called: BRCA2 Hereditary Breast and Ovarian Cancer. Identifiers: Orphanet 145, MedGen C2675520, MONDO:0012933, OMIM 612555. Disease mechanism: loss of function.

Submission:

KCCC/NGS Laboratory, Kuwait Cancer Control Center
Classification: Pathogenic for Breast-ovarian cancer, familial, susceptibility to, 2. Last evaluated: 2023-11-23. Review status: criteria provided, single submitter. Criteria: ACMG Guidelines, 2015. Collection method: clinical testing. Allele origin: germline. Inheritance: Autosomal dominant inheritance. Affected: yes. Observed: 1 heterozygote.
Comment: The p.Leu459Ter variant , located in coding exon 10 of the BRCA2 gene, results from deletion of A at nucleotide position1374 . The leucine at codon 459 is replaced by a termination codon. This variant is expected to cause truncation of the BRCA2 protein and, therefore, loss of function. This amino acid position is not highly conserved ( PhyloP= 0.04) .This variant is not found in gnomAD genomes. This variant not previously reported in ClinVar database but same amino acid change reported twice in Clinvar: 266632 [c.1376T>G (p.Leu459Ter)] as pathogenic ,reviewed by expert panel and also Clinvar: 266631 [c.1376del (p.Leu459Ter)] as pathogenic ,reviewed by expert panel . Therefore, this variant is classified as pathogenic.

NM_000059.4(BRCA2):c.1374del (p.Pro458_Leu459insTer)

Gene: BRCA2 (BRCA2 DNA repair associated; plus strand). Cytogenetic location: 13q13.1.
Variant type: Deletion.
Coding change: c.1374del on transcript NM_000059.4 (MANE Select); coding-DNA position 1374, one base deleted (A; older notation c.1374delA).
Protein change: p.Pro458_Leu459insTer.
Molecular consequence: frameshift variant. On other transcripts: nonsense (1), non-coding transcript variant (1), intron variant (1).
Genome position (GRCh38, 1-based): chr13:32,332,852, A deleted. VCF-style (leftmost placement, unchanged base first): chr13-32332851-CA-C. GRCh37 (hg19) VCF-style: chr13-32906988-CA-C.
Other names: c.1374delA, p.Leu459Terfs (NM_000059.3); c.1374del, p.Pro458_Leu459insTer (NM_001406719.1, NM_001406720.1, NM_001406721.1); c.424+1822del (NM_001406722.1).
Identifiers: ClinVar variation 2663812 (VCV002663812.2), dbSNP rs2548520152, ClinGen allele CA2695199249.
Genomic context (GRCh38, chr13:32,332,851, plus strand): 5'-ATTTTCTTACTTCAGAGAATTCTTTGCCACGTATTTCTAGCCTACCAAAATCAGAGAAGC[CA>C]TTAAATGAGGAAACAGTGGTAAATAAGAGAGATGAAGAGCAGCATCTTGAATCTCATACA-3'